The following is an entry in ClinVar:

NM_207034.3(EDN3):c.462G>T (p.Arg154=)

Gene: EDN3 (endothelin 3; plus strand). Cytogenetic location: 20q13.32.
Variant type: single nucleotide variant.
Coding change: c.462G>T on transcript NM_207034.3 (MANE Select); coding-DNA position 462, G replaced by T.
Protein change: p.Arg154=; no amino-acid change (arginine 154 retained).
Molecular consequence: synonymous variant.
Genome position (GRCh38, 1-based): chr20:59,321,113, G>T. VCF-style: chr20-59321113-G-T. GRCh37 (hg19) VCF-style: chr20-57896168-G-T.
Other names: c.462G>T, p.Arg154= (NM_001302455.2, NM_001302456.2, NM_001424361.1 and 4 more transcripts).
Identifiers: ClinVar variation 4983385 (VCV004983385.1).

ClinVar aggregate classification (germline): Likely benign (1 of 4 stars; one submission).

Conditions:
EDN3-related disorder. Also called: EDN3-related condition.

gnomAD v4.1: 2 of 1,614,220 alleles (0.00012%); highest among the groups gnomAD compares: Admixed American, 0.0017%; no homozygotes.

Submission:

PreventionGenetics, part of Exact Sciences
Classification: Likely benign for EDN3-related condition. Last evaluated: 2025-10-13. Review status: criteria provided, single submitter. Criteria: ACMG Guidelines, 2015. Collection method: clinical testing. Allele origin: germline.
Comment: This variant is classified as likely benign based on ACMG/AMP sequence variant interpretation guidelines (Richards et al. 2015 PMID: 25741868, with internal and published modifications).